The following is an entry in ClinVar:

ClinVar aggregate classification (germline): Pathogenic/Likely pathogenic. Review status: criteria provided, multiple submitters, no conflicts (2 of 4 stars). 4 submissions from 4 submitters: Pathogenic (1); Likely pathogenic (2). 1 of the submissions does not count toward it. Last evaluated 2026-05-21.

Conditions:
Optic atrophy. Identifiers: MedGen C0029124, MONDO:0003608, HP:0000648.
Autosomal dominant optic atrophy classic form (OPA1). Also called: Optic Atrophy Type 1; KJER-TYPE OPTIC ATROPHY; OPTIC ATROPHY, JUVENILE. Identifiers: Orphanet 98673, MedGen C0338508, MONDO:0008134, OMIM 165500.

Submissions (4):

Institute of Medical Genetics and Applied Genomics, University Hospital Tübingen
Classification: Likely pathogenic for Autosomal dominant optic atrophy classic form. Last evaluated: 2026-05-21. Review status: criteria provided, single submitter. Criteria: ACMG Guidelines, 2015. Collection method: clinical testing. Allele origin: germline. Inheritance: Autosomal dominant inheritance. Affected: yes.

GeneDx
Classification: Likely pathogenic. Last evaluated: 2024-08-13. Review status: criteria provided, single submitter. Criteria: GeneDx Variant Classification Process June 2021. Collection method: clinical testing. Allele origin: germline. Affected: yes.
Comment: Not observed at significant frequency in large population cohorts (gnomAD); In silico analysis supports that this missense variant has a deleterious effect on protein structure/function; This variant is associated with the following publications: (PMID: 23384603, 31781369, NittaY2024[Preprint], 16698014, 34242285, 20157015, 11440988, 24051421)

CeGaT Center for Human Genetics Tuebingen
Classification: Pathogenic. Last evaluated: 2019-01-01. Review status: criteria provided, single submitter. Criteria: CeGaT Center For Human Genetics Tuebingen Variant Classification Criteria Version 2. Collection method: clinical testing. Allele origin: germline. Affected: yes. Observed: 3 variant alleles.

Institute of Human Genetics, Univ. Regensburg, Univ. Regensburg
Classification: Pathogenic for Optic atrophy. Last evaluated: 2019-01-01. Review status: no assertion criteria provided. Criteria: ACMG Guidelines, 2015. Collection method: clinical testing. Allele origin: germline. Affected: yes. Not counted in ClinVar's aggregate classification.

NM_130837.3(OPA1):c.1478A>T (p.Asp493Val)

Gene: OPA1 (OPA1 mitochondrial dynamin like GTPase; plus strand). Cytogenetic location: 3q29.
Variant type: single nucleotide variant.
Coding change: c.1478A>T on transcript NM_130837.3 (MANE Select); coding-DNA position 1478, A replaced by T.
Protein change: p.Asp493Val; replaces aspartic acid 493 with valine.
Molecular consequence: missense variant.
Genome position (GRCh38, 1-based): chr3:193,643,975, A>T. VCF-style: chr3-193643975-A-T. GRCh37 (hg19) VCF-style: chr3-193361764-A-T.
Other names: c.1313A>T (NM_015560.2); c.944A>T, p.Asp315Val (NM_001354663.2); c.941A>T, p.Asp314Val (NM_001354664.2); c.1313A>T, p.Asp438Val (NM_015560.3); c.1205A>T, p.Asp402Val (NM_130831.3); c.1259A>T, p.Asp420Val (NM_130832.3); c.1316A>T, p.Asp439Val (NM_130833.3); c.1367A>T, p.Asp456Val (NM_130834.3); and 2 more; short protein forms D420V, D457V, D475V, D493V, D402V, D439V, D314V, D438V.
Identifiers: ClinVar variation 871023 (VCV000871023.43), dbSNP rs1734162973, ClinGen allele CA355789689.
Genomic context (GRCh38, chr3:193,643,975, plus strand): 5'-GTTTTAAAAGTCTACTTTACATCTTAAAATTCCACAGTGTCATTTTTTTATTTTTTTCAG[A>T]TGGATCTGTGGATGCTGAACGCAGTATTGTTACAGACTTGGTCAGTCAAATGGACCCTCA-3'
Protein context (NP_570850.2, residues 483-503): NPNAIILCIQ[Asp493Val]GSVDAERSIV